The following is an entry in ClinVar:

NC_012920.1(MT-CYB):m.15245G>A

Gene: MT-CYB (mitochondrially encoded cytochrome b; plus strand).
Variant type: single nucleotide variant.
Genome position: chrM-15245-G-A.
Identifiers: ClinVar variation 693853 (VCV000693853.1), dbSNP rs1603225169, ClinGen allele CA913173339.

ClinVar aggregate classification (germline): Uncertain significance (1 of 4 stars; one submission).

Conditions:
Leigh syndrome (NULS). Also called: Leigh's necrotizing encephalopathy; Leigh's disease; Leigh's syndrome; LEIGH SYNDROME, NUCLEAR; Leigh Syndrome (mtDNA deletion); Leigh Disease. Identifiers: Orphanet 506, MedGen C2931891, MONDO:0009723, OMIM 256000.

Submission:

Wong Mito Lab, Molecular and Human Genetics, Baylor College of Medicine
Classification: Uncertain significance for Leigh syndrome. Last evaluated: 2019-10-17. Review status: criteria provided, single submitter. Criteria: Modified ACMG Guidelines (Unpublished). Collection method: clinical testing. Allele origin: germline.
Comment: The NC_012920.1:m.15245G>A (YP_003024038.1:p.Gly167Ser) variant in MTCYB gene is interpretated to be a Uncertain Significance variant based on the modified ACMG guidelines (unpublished). This variant meets the following evidence codes: BS1, PP6